The following is an entry in ClinVar:

ClinVar aggregate classification (germline): Likely benign. Review status: criteria provided, single submitter (1 of 4 stars). 2 submissions from 2 submitters: Likely benign (1). 1 of the submissions does not count toward it. Last evaluated 2024-09-17.

Conditions:
KBG syndrome (KBGS). Also called: ANKRD11-Related KBG Syndrome. Identifiers: Orphanet 2332, MedGen C0220687, MONDO:0007846, OMIM 148050.
ANKRD11-related disorder. Also called: ANKRD11-related condition.

Allele frequency attached by ClinVar (database versions not stated): ExAC 0.00002; gnomAD 0.00002; gnomAD exomes 0.00002; ESP Exome Variant Server 0.00008.
gnomAD v4.1: 40 of 1,613,890 alleles (0.0025%); highest among the groups gnomAD compares: Admixed American, 0.005%; no homozygotes.

Submissions (2):

Labcorp Genetics (formerly Invitae), Labcorp
Classification: Likely benign for KBG syndrome. Last evaluated: 2024-09-17. Review status: criteria provided, single submitter. Criteria: Invitae Variant Classification Sherloc (09022015). Collection method: clinical testing. Allele origin: germline.

PreventionGenetics, part of Exact Sciences
Classification: Likely benign for ANKRD11-related condition. Last evaluated: 2020-04-06. Review status: no assertion criteria provided. Collection method: clinical testing. Allele origin: germline. Not counted in ClinVar's aggregate classification.
Comment: This variant is classified as likely benign based on ACMG/AMP sequence variant interpretation guidelines (Richards et al. 2015 PMID: 25741868, with internal and published modifications).

NM_013275.6(ANKRD11):c.780G>A (p.Pro260=)

Gene: ANKRD11 (ankyrin repeat domain 11; minus strand). Cytogenetic location: 16q24.3.
Variant type: single nucleotide variant.
Coding change: c.780G>A on transcript NM_013275.6 (MANE Select); coding-DNA position 780, G replaced by A.
Protein change: p.Pro260=; no amino-acid change (proline 260 retained).
Molecular consequence: synonymous variant.
Genome position (GRCh38, 1-based): chr16:89,286,151, C>T on the plus strand (G>A on the coding strand, the complement: ANKRD11 is on the minus strand). VCF-style: chr16-89286151-C-T. GRCh37 (hg19) VCF-style: chr16-89352559-C-T.
Other names: c.780G>A, p.Pro260= (NM_001256182.2, NM_001256183.2); c.780G>A (NM_013275.5).
Identifiers: ClinVar variation 1109830 (VCV001109830.11), dbSNP rs377284083, ClinGen allele CA8242931.
Genomic context (GRCh38, chr16:89,286,151, plus strand): 5'-CACCATCGTGGGGGAGTTGGCCACTTTCAGCGGCGTCTCGCCTTTCCTGTTGCTCTGCTG[C>T]GGGTTCCCTCCGTACCGCAGCAGCAGCTTCACCACCTACAAGACAGTAACACCCGCGTCA-3'
Protein context (NP_037407.4, residues 250-270): VKLLLRYGGN[Pro260=]QQSNRKGETP